The following is an entry in ClinVar:

ClinVar aggregate classification (germline): Uncertain significance. Review status: criteria provided, multiple submitters, no conflicts (2 of 4 stars). 2 submissions from 2 submitters: Uncertain significance (2). Last evaluated 2025-10-20.

Conditions:
Familial thoracic aortic aneurysm and aortic dissection (TAAD). Also called: Thoracic aortic aneurysms and dissections. Identifiers: Orphanet 91387, MedGen C4707243, MONDO:0019625.

Allele frequency attached by ClinVar (database versions not stated): gnomAD exomes below 0.00001.
gnomAD v4.1: 4 of 1,613,750 alleles (0.00025%); highest among the groups gnomAD compares: Non-Finnish European, 0.00034%; no homozygotes.

Submissions (2):

Color Diagnostics, LLC DBA Color Health
Classification: Uncertain significance for Familial thoracic aortic aneurysm and aortic dissection. Last evaluated: 2025-10-20. Review status: criteria provided, single submitter. Criteria: ACMG Guidelines, 2015. Collection method: clinical testing. Allele origin: germline.
Comment: This missense variant replaces serine with isoleucine at codon 773 of the FBN1 protein. Computational prediction suggests that this variant may not impact protein structure and function. To our knowledge, functional studies have not been reported for this variant. This variant has not been reported in individuals affected with FBN1-related disorders in the literature. This variant has been identified in 4/1461442 chromosomes in the general population by the Genome Aggregation Database (gnomAD). The available evidence is insufficient to determine the role of this variant in disease conclusively. Therefore, this variant is classified as a Variant of Uncertain Significance.

GeneDx
Classification: Uncertain significance. Last evaluated: 2023-07-19. Review status: criteria provided, single submitter. Criteria: GeneDx Variant Classification Process June 2021. Collection method: clinical testing. Allele origin: germline. Affected: yes.
Comment: Not observed at significant frequency in large population cohorts (gnomAD); In silico analysis supports that this missense variant has a deleterious effect on protein structure/function; Has not been previously published as pathogenic or benign to our knowledge; Although located in a calcium-binding EGF-like domain of the FBN1 gene, it does not affect a cysteine residue within this domain; cysteine substitutions in the calcium-binding EGF-like domains represent the majority of pathogenic missense changes associated with FBN1-related disorders (Collod-Beroud et al., 2003); This variant is associated with the following publications: (PMID: 12938084)

NM_000138.5(FBN1):c.2318G>T (p.Ser773Ile)

Gene: FBN1 (fibrillin 1; minus strand). Cytogenetic location: 15q21.1.
Variant type: single nucleotide variant.
Coding change: c.2318G>T on transcript NM_000138.5 (MANE Select); coding-DNA position 2318, G replaced by T.
Protein change: p.Ser773Ile; replaces serine 773 with isoleucine.
Molecular consequence: missense variant.
Genome position (GRCh38, 1-based): chr15:48,496,201, C>A on the plus strand (G>T on the coding strand, the complement: FBN1 is on the minus strand). VCF-style: chr15-48496201-C-A. GRCh37 (hg19) VCF-style: chr15-48788398-C-A.
Other names: short protein forms S773I.
Identifiers: ClinVar variation 922163 (VCV000922163.7), dbSNP rs1193928660, ClinGen allele CA392335509.
Genomic context (GRCh38, chr15:48,496,201, plus strand): 5'-GGGCAGGTACAGACAAAACTTCCAGGAGTATTTCTACATTGTCCATTGTCACAAAGGAGA[C>A]TGTTCAGTACACATTCATTAATATCTGCAAAGTCAATGAAAATAAACACTTAAAAAGGGC-3'
Protein context (NP_000129.3, residues 763-783): CVDINECVLN[Ser773Ile]LLCDNGQCRN